The following is an entry in ClinVar:

NM_000051.4(ATM):c.8850+2T>C

Genes: C11orf65 (chromosome 11 open reading frame 65; minus strand), ATM (ATM serine/threonine kinase; plus strand). Cytogenetic location: 11q22.3.
Variant type: single nucleotide variant.
Coding change: c.8850+2T>C on transcript NM_000051.4 (MANE Select); the canonical splice donor site of the intron after coding-DNA position 8850, T replaced by C.
Molecular consequence: splice donor variant. On other transcripts: intron variant (2).
Genome position (GRCh38, 1-based): chr11:108,354,876, T>C. VCF-style: chr11-108354876-T-C. GRCh37 (hg19) VCF-style: chr11-108225603-T-C.
Other names: c.8850+2T>C (NM_001351834.2); c.640+31044A>G (NM_001330368.2); c.695-19584A>G (NM_001351110.2).
Identifiers: ClinVar variation 481196 (VCV000481196.7), dbSNP rs1555143623, ClinGen allele CA382526141.

ClinVar aggregate classification (germline): Likely pathogenic. Review status: criteria provided, multiple submitters, no conflicts (2 of 4 stars). 3 submissions from 3 submitters: Likely pathogenic (3). Last evaluated 2025-05-16.

Conditions:
Hereditary cancer-predisposing syndrome. Also called: Neoplastic Syndromes, Hereditary; Hereditary Cancer Syndrome; Tumor predisposition; Hereditary neoplastic syndrome. Identifiers: Orphanet 140162, MedGen C0027672, MeSH D009386, MONDO:0015356.
Familial cancer of breast. Also called: Hereditary breast cancer; BREAST CANCER, FAMILIAL; hereditary breast carcinoma. Identifiers: Orphanet 227535, MedGen C0346153, MONDO:0016419, OMIM 114480. Disease mechanism: loss of function.
Ataxia-telangiectasia syndrome (AT). Also called: LOUIS-BAR SYNDROME; Cerebello-oculocutaneous telangiectasia; Immunodeficiency with ataxia telangiectasia; Ataxia-telangiectasia, complementation group D; AT, COMPLEMENTATION GROUP C; Ataxia-telangiectasia, complementation group E. Identifiers: Orphanet 100, MedGen C0004135, MONDO:0008840, OMIM 208900.

Submissions (3):

Natera, Inc.
Classification: Likely pathogenic for Ataxia-telangiectasia. Last evaluated: 2025-05-16. Review status: criteria provided, single submitter. Criteria: Natera Variant Classification Schema (03/2026). Collection method: clinical testing. Allele origin: germline.
Comment: The c.8850+2T>C variant in ATM is a canonical splice donor site variant predicted to affect pre-mRNA splicing, which may result in an abnormal transcript and altered protein product. This variant is expected to result in nonsense mediated decay, truncation, or a dysfunctional protein product. This variant is rare in the general population with a frequency below the threshold expected for the associated phenotype(s). Given the available evidence, this variant is classified as Likely Pathogenic.

Myriad Genetics, Inc.
Classification: Likely pathogenic for Familial cancer of breast. Last evaluated: 2024-02-05. Review status: criteria provided, single submitter. Criteria: Myriad Autosomal Dominant, Autosomal Recessive and X-Linked Classification Criteria (2023). Collection method: clinical testing. Allele origin: unknown.
Comment: This variant is considered likely pathogenic. This variant occurs within a consensus splice junction and is predicted to result in abnormal mRNA splicing of either an out-of-frame exon or an in-frame exon necessary for protein stability and/or normal function.

Ambry Genetics
Classification: Likely pathogenic for Hereditary cancer-predisposing syndrome. Last evaluated: 2016-04-18. Review status: criteria provided, single submitter. Criteria: Ambry Variant Classification Scheme 2023. Collection method: clinical testing. Allele origin: germline.
Comment: The c.8850+2T>C intronic variant results from a T to C substitution two nucleotides after coding exon 60 of the ATM gene. This variant was not reported in population-based cohorts in the following databases: Database of Single Nucleotide Polymorphisms (dbSNP), NHLBI Exome Sequencing Project (ESP), 1000 Genomes Project, and Exome Aggregation Consortium (ExAC). To date, this alteration has been detected with an allele frequency of approximately 0.001% (greater than 125,000 alleles tested) in our clinical cohort. This nucleotide position is highly conserved in available vertebrate species. Using the BDGP and ESEfinder splice site prediction tools, this alteration abolishes the native donor splice site; however, direct evidence is unavailable. Alterations that disrupt the canonical splice donor site are typically deleterious in nature (ACMG Recommendations for Standards for Interpretation and Reporting of Sequence Variations. Revision 2007. Genet Med. 2008;10:294). As such, this variant is likely to be pathogenic.